The following is an entry in ClinVar:

NM_032603.5(LOXL3):c.1567A>G (p.Ile523Val)

Gene: LOXL3 (lysyl oxidase like 3; minus strand). Cytogenetic location: 2p13.1.
Variant type: single nucleotide variant.
Coding change: c.1567A>G on transcript NM_032603.5 (MANE Select); coding-DNA position 1567, A replaced by G.
Protein change: p.Ile523Val; replaces isoleucine 523 with valine.
Molecular consequence: missense variant.
Genome position (GRCh38, 1-based): chr2:74,535,304, T>C on the plus strand (A>G on the coding strand, the complement: LOXL3 is on the minus strand). VCF-style: chr2-74535304-T-C. GRCh37 (hg19) VCF-style: chr2-74762431-T-C.
Other names: c.1132A>G, p.Ile378Val (NM_001289164.3); c.484A>G, p.Ile162Val (NM_001289165.2); short protein forms I378V, I162V, I523V.
Identifiers: ClinVar variation 2016536 (VCV002016536.4), dbSNP rs2529937025, ClinGen allele CA347386915.

ClinVar aggregate classification (germline): Uncertain significance (1 of 4 stars; one submission).

Allele frequency attached by ClinVar (database versions not stated): gnomAD exomes below 0.00001.

Submission:

Labcorp Genetics (formerly Invitae), Labcorp
Classification: Uncertain significance. Last evaluated: 2022-07-13. Review status: criteria provided, single submitter. Criteria: Invitae Variant Classification Sherloc (09022015). Collection method: clinical testing. Allele origin: germline.
Comment: This sequence change replaces isoleucine, which is neutral and non-polar, with valine, which is neutral and non-polar, at codon 523 of the LOXL3 protein (p.Ile523Val). In summary, the available evidence is currently insufficient to determine the role of this variant in disease. Therefore, it has been classified as a Variant of Uncertain Significance. Algorithms developed to predict the effect of missense changes on protein structure and function (SIFT, PolyPhen-2, Align-GVGD) all suggest that this variant is likely to be tolerated. This variant has not been reported in the literature in individuals affected with LOXL3-related conditions. This variant is not present in population databases (gnomAD no frequency).